The following is an entry in ClinVar:

NM_000478.6(ALPL):c.1418G>A (p.Gly473Asp)

Gene: ALPL (alkaline phosphatase, biomineralization associated; plus strand). Cytogenetic location: 1p36.12.
Variant type: single nucleotide variant.
Coding change: c.1418G>A on transcript NM_000478.6 (MANE Select); coding-DNA position 1418, G replaced by A.
Protein change: p.Gly473Asp; replaces glycine 473 with aspartic acid.
Molecular consequence: missense variant.
Genome position (GRCh38, 1-based): chr1:21,577,491, G>A. VCF-style: chr1-21577491-G-A. GRCh37 (hg19) VCF-style: chr1-21903984-G-A.
Other names: c.1253G>A, p.Gly418Asp (NM_001127501.4); c.1187G>A, p.Gly396Asp (NM_001177520.3); c.1418G>A, p.Gly473Asp (NM_001369803.2, NM_001369804.2, NM_001369805.2); short protein forms G396D, G418D, G473D.
Identifiers: ClinVar variation 1344542 (VCV001344542.3), dbSNP rs2148194946, ClinGen allele CA338882156.

ClinVar aggregate classification (germline): Likely pathogenic. Review status: criteria provided, multiple submitters, no conflicts (2 of 4 stars). 2 submissions from 2 submitters: Likely pathogenic (2). Last evaluated 2025-08-29.

Conditions:
Hypophosphatasia. Also called: Phosphoethanol-aminuria. Identifiers: Orphanet 436, MedGen C0020630, MeSH D007014, MONDO:0018570.

Submissions (2):

Genomenon, Inc
Classification: Likely pathogenic for Hypophosphatasia. Last evaluated: 2025-08-29. Review status: criteria provided, single submitter. Criteria: Genomenon Sequence Variant Interpretation Standards. Collection method: curation. Allele origin: germline. Affected: yes.
Comment: ALPL Gly473Asp (c.1418G>A) is a missense variant that changes the amino acid at residue 473 from Glycine to Aspartic acid. This variant has been observed in at least one proband affected with hypophosphatasia (PMID:23926372). It is absent or not present at a significant frequency in gnomAD. In silico models agree that this variant is possibly or probably damaging. The presence of pathogenic missense variant(s) at the same amino acid position indicates that this residue is likely important for protein function. In conclusion, we classify ALPL p.Gly473Asp (c.1418G>A) as a likely pathogenic variant.

JKU Lab, Dept of Paediatrics, Johannes Kepler University
Classification: Likely pathogenic for Hypophosphatasia. Last evaluated: 2022-03-04. Review status: criteria provided, single submitter. Criteria: ACMG Classification. Collection method: clinical testing. Allele origin: germline. Affected: yes. Observed: 1 compound heterozygote.
Comment: This variant is absent from large population studies. The REVEL score is 0.97. ACMG Criteria used for classification: PM2_sup, PP2_sup, PP3_sup, PP4_mod, PM3_mod, PM5_sup (p.Gly473Ser, LP in ClinVar ).

Literature cited by the submitters: PubMed 23926372 (cited by Genomenon, Inc and JKU Lab, Dept of Paediatrics, Johannes Kepler University).